The following is an entry in ClinVar:

NC_000016.9:g.(?_89160259)_(89222246_?)dup

Gene: ACSF3 (acyl-CoA synthetase family member 3; plus strand). Cytogenetic location: 16q24.3.
Variant type: Duplication.
Identifiers: ClinVar variation 3385134 (VCV003385134.1).

ClinVar aggregate classification (germline): Uncertain significance (1 of 4 stars; one submission).

Submission:

Women's Health and Genetics/Laboratory Corporation of America, LabCorp
Classification: Uncertain significance. Last evaluated: 2024-10-22. Review status: criteria provided, single submitter. Criteria: LabCorp Variant Classification Summary - May 2015. Collection method: clinical testing. Allele origin: germline.
Comment: Variant summary: The variant involves the duplication of exons 1-11 in the ACSF3 gene. A presumed nomenclature of c.(?_-335)_(*1631_?)dup has been designated for the purposes of this classification. This duplication includes the entire coding sequence of the gene. As exact breakpoints are unknown, it may extend beyond the annotated region of the gene, to include other flanking genes. The variant was absent in 21694 control chromosomes. The available data on variant occurrences in the general population are insufficient to allow any conclusion about variant significance. To our knowledge, no occurrence of c.(?_-335)_(*1631_?)dup in individuals affected with Combined Malonic And Methylmalonic Aciduria and no experimental evidence demonstrating its impact on protein function have been reported. ClinVar contains an entry for a similar duplication variant encompassing the entire ACSF3 gene (Variation ID: 832685). Based on the evidence outlined above, the variant was classified as uncertain significance.